The following is an entry in ClinVar:

ClinVar aggregate classification (germline): Pathogenic/Likely pathogenic. Review status: criteria provided, multiple submitters, no conflicts (2 of 4 stars). 5 submissions from 5 submitters: Pathogenic (3); Likely pathogenic (1). 1 of the submissions does not count toward it. Last evaluated 2026-07-20.

Conditions:
RDH5-related disorder. Also called: RDH5-related condition.
Pigmentary retinal dystrophy. Also called: Fundus albipunctatus. Identifiers: Orphanet 227796, Orphanet 52427, MedGen C0311338, MONDO:0007639, OMIM 136880, HP:0030642.
Fundus albipunctatus, autosomal recessive. Identifiers: MedGen C4016746.

Allele frequency attached by ClinVar (database versions not stated): ExAC 0.00003; gnomAD 0.00004; TOPMed 0.00005.

Submissions (5):

PreventionGenetics, part of Exact Sciences
Classification: Pathogenic for RDH5-related condition. Last evaluated: 2026-07-20. Review status: criteria provided, single submitter. Criteria: ACMG Guidelines, 2015. Collection method: clinical testing. Allele origin: germline.
Comment: The RDH5 c.469C>T variant is predicted to result in the amino acid substitution p.Arg157Trp. This variant has been reported in individuals with autosomal recessive fundus albipunctatus or inherited retinal disease (Cideciyan et al. 2000. PubMed ID: 11153648; Table S1, Birtel et al. 2018. PubMed ID: 29555955; Internal Data, PreventionGenetics). This variant showed decreased protein stability, subcellular mislocalization, and loss of enzymatic activity (Lidén et al 2001. PubMed ID: 11675386; Cideciyan et al. 2000. PubMed ID: 11153648). A different substitution of the same amino acid (p.Arg157Gln) has been reported in the homozygous state in an individual with retinopathy (Sergouniotis et al. 2011. PubMed ID: 21529959). This variant is reported in 0.019% of alleles in individuals of African descent in gnomAD. This variant is interpreted as pathogenic for autosomal recessive disease.

Labcorp Genetics (formerly Invitae), Labcorp
Classification: Pathogenic. Last evaluated: 2025-09-25. Review status: criteria provided, single submitter. Criteria: Invitae Variant Classification Sherloc (09022015). Collection method: clinical testing. Allele origin: germline.
Comment: This sequence change replaces arginine, which is basic and polar, with tryptophan, which is neutral and slightly polar, at codon 157 of the RDH5 protein (p.Arg157Trp). This variant is present in population databases (rs104894374, gnomAD 0.02%). This missense change has been observed in individuals with fundus albipunctatus (PMID: 11153648, 14991316; internal data). ClinVar contains an entry for this variant (Variation ID: 8010). Invitae Evidence Modeling of protein sequence and biophysical properties (such as structural, functional, and spatial information, amino acid conservation, physicochemical variation, residue mobility, and thermodynamic stability) indicates that this missense variant is expected to disrupt RDH5 protein function with a positive predictive value of 80%. Experimental studies have shown that this missense change affects RDH5 function (PMID: 11153648, 11675386). This variant disrupts the p.Arg157 amino acid residue in RDH5. Other variant(s) that disrupt this residue have been determined to be pathogenic (PMID: 18949499, 21529959). This suggests that this residue is clinically significant, and that variants that disrupt this residue are likely to be disease-causing. For these reasons, this variant has been classified as Pathogenic.

Blueprint Genetics
Classification: Likely pathogenic for RDH5-related disorders. Last evaluated: 2022-09-14. Review status: criteria provided, single submitter. Criteria: ACMG Guidelines, 2015. Collection method: clinical testing. Allele origin: germline. Affected: yes. Observed: 3 variant alleles.

Mendelics
Classification: Pathogenic for Pigmentary retinal dystrophy. Last evaluated: 2022-05-04. Review status: criteria provided, single submitter. Criteria: Mendelics Assertion Criteria 2019. Collection method: clinical testing. Allele origin: germline.

OMIM
Classification: Pathogenic for FUNDUS ALBIPUNCTATUS, AUTOSOMAL RECESSIVE. Last evaluated: 2000-09-01. Review status: no assertion criteria provided. Collection method: literature only. Allele origin: germline. Not counted in ClinVar's aggregate classification.

Literature cited by the submitters: PubMed 11153648 (cited by Labcorp Genetics (formerly Invitae), Labcorp and OMIM); PubMed 14991316 (cited by Labcorp Genetics (formerly Invitae), Labcorp); PubMed 11675386 (cited by Labcorp Genetics (formerly Invitae), Labcorp); PubMed 18949499 (cited by Labcorp Genetics (formerly Invitae), Labcorp); PubMed 21529959 (cited by Labcorp Genetics (formerly Invitae), Labcorp); PubMed 302784 (cited by OMIM); PubMed 2336278 (cited by OMIM).

NM_002905.5(RDH5):c.469C>T (p.Arg157Trp)

Genes: BLOC1S1-RDH5 (BLOC1S1-RDH5 readthrough; plus strand), RDH5 (retinol dehydrogenase 5; plus strand). Cytogenetic location: 12q13.2.
Variant type: single nucleotide variant.
Coding change: c.469C>T on transcript NM_002905.5 (MANE Select); coding-DNA position 469, C replaced by T.
Protein change: p.Arg157Trp; replaces arginine 157 with tryptophan.
Molecular consequence: missense variant. On other transcripts: non-coding transcript variant (1).
Genome position (GRCh38, 1-based): chr12:55,721,847, C>T. VCF-style: chr12-55721847-C-T. GRCh37 (hg19) VCF-style: chr12-56115631-C-T.
Other names: c.469C>T, p.Arg157Trp (NM_001199771.3); c.469C>T (NM_002905.3); short protein forms R157W.
Identifiers: ClinVar variation 8010 (VCV000008010.14), dbSNP rs104894374, ClinGen allele CA119210.